The following is an entry in ClinVar:

NM_015650.4(TRAF3IP1):c.916-2A>G

Gene: TRAF3IP1 (TRAF3 interacting protein 1; plus strand). Cytogenetic location: 2q37.3.
Variant type: single nucleotide variant.
Coding change: c.916-2A>G on transcript NM_015650.4 (MANE Select); the canonical splice acceptor site of the intron before coding-DNA position 916, A replaced by G.
Molecular consequence: splice acceptor variant.
Genome position (GRCh38, 1-based): chr2:238,332,822, A>G. VCF-style: chr2-238332822-A-G. GRCh37 (hg19) VCF-style: chr2-239241463-A-G.
Other names: c.916-2A>G (NM_001139490.1).
Identifiers: ClinVar variation 3688127 (VCV003688127.2).

ClinVar aggregate classification (germline): Likely pathogenic (1 of 4 stars; one submission).

gnomAD v4.1: 3 of 1,593,868 alleles (0.00019%); highest among the groups gnomAD compares: Admixed American, 0.0035%; no homozygotes.

Submission:

Labcorp Genetics (formerly Invitae), Labcorp
Classification: Likely pathogenic. Last evaluated: 2025-10-13. Review status: criteria provided, single submitter. Criteria: Invitae Variant Classification Sherloc (09022015). Collection method: clinical testing. Allele origin: germline.
Comment: This sequence change affects an acceptor splice site in intron 5 of the TRAF3IP1 gene. It is expected to disrupt RNA splicing. Variants that disrupt the donor or acceptor splice site typically lead to a loss of protein function (PMID: 16199547), and loss-of-function variants in TRAF3IP1 are known to be pathogenic (PMID: 21945076, 26487268, 29068549). This variant is present in population databases (rs571137313, gnomAD 0.003%). This variant has not been reported in the literature in individuals affected with TRAF3IP1-related conditions. ClinVar contains an entry for this variant (Variation ID: 3688127). Algorithms developed to predict the effect of sequence changes on RNA splicing suggest that this variant may disrupt the consensus splice site. In summary, the currently available evidence indicates that the variant is pathogenic, but additional data are needed to prove that conclusively. Therefore, this variant has been classified as Likely Pathogenic.

Literature cited by the submitters: PubMed 16199547; PubMed 21945076; PubMed 26487268; PubMed 29068549.